The following is an entry in ClinVar:

NM_001267550.2(TTN):c.80733T>G (p.Ile26911Met)

Genes: TTN (titin; minus strand), TTN-AS1 (TTN antisense RNA 1; plus strand). Cytogenetic location: 2q31.2.
Variant type: single nucleotide variant.
Coding change: c.80733T>G on transcript NM_001267550.2 (MANE Select); coding-DNA position 80733, T replaced by G.
Protein change: p.Ile26911Met; replaces isoleucine 26911 with methionine.
Molecular consequence: missense variant.
Genome position (GRCh38, 1-based): chr2:178,565,399, A>C on the plus strand (T>G on the coding strand, the complement: TTN is on the minus strand). VCF-style: chr2-178565399-A-C. GRCh37 (hg19) VCF-style: chr2-179430126-A-C.
Other names: c.75810T>G, p.Ile25270Met (NM_001256850.1); c.53538T>G, p.Ile17846Met (NM_003319.4); c.73029T>G, p.Ile24343Met (NM_133378.4); c.53913T>G, p.Ile17971Met (NM_133432.3); c.54114T>G, p.Ile18038Met (NM_133437.4); short protein forms I17846M, I17971M, I18038M, I24343M, I25270M, I26911M.
Identifiers: ClinVar variation 1321354 (VCV001321354.7), dbSNP rs371965190, ClinGen allele CA60988729.

ClinVar aggregate classification (germline): Uncertain significance. Review status: criteria provided, multiple submitters, no conflicts (2 of 4 stars). 3 submissions from 3 submitters: Uncertain significance (3). Last evaluated 2025-06-15.

Conditions:
Cardiovascular phenotype. Identifiers: MedGen CN230736.

Allele frequency attached by ClinVar (database versions not stated): gnomAD exomes below 0.00001 and 0.00001; TOPMed 0.00004; gnomAD 0.00006 and 0.00007; ESP Exome Variant Server 0.00008.
gnomAD v4.1: 15 of 1,613,610 alleles (0.00093%); highest among the groups gnomAD compares: African/African-American, 0.019%; no homozygotes.

Submissions (3):

Women's Health and Genetics/Laboratory Corporation of America, LabCorp
Classification: Uncertain significance. Last evaluated: 2025-06-15. Review status: criteria provided, single submitter. Criteria: LabCorp Variant Classification Summary - May 2015. Collection method: clinical testing. Allele origin: germline.
Comment: Variant summary: TTN c.73029T>G (p.Ile24343Met) results in a conservative amino acid change in the encoded protein sequence. Algorithms developed to predict the effect of missense changes on protein structure and function are either unavailable or do not agree on the potential impact of this missense change. The variant allele was found at a frequency of 8e-06 in 248670 control chromosomes. The available data on variant occurrences in the general population are insufficient to allow any conclusion about variant significance. To our knowledge, no occurrence of c.73029T>G in individuals affected with Dilated Cardiomyopathy and no experimental evidence demonstrating its impact on protein function have been reported. ClinVar contains an entry for this variant (Variation ID: 1321354). Based on the evidence outlined above, the variant was classified as uncertain significance.

Revvity Omics, Revvity
Classification: Uncertain significance. Last evaluated: 2022-11-09. Review status: criteria provided, single submitter. Criteria: ACMG Guidelines, 2015. Collection method: clinical testing. Allele origin: germline.

Ambry Genetics
Classification: Uncertain significance for Cardiovascular phenotype. Last evaluated: 2020-06-25. Review status: criteria provided, single submitter. Criteria: Ambry Variant Classification Scheme 2023. Collection method: clinical testing. Allele origin: germline.
Comment: The p.I17846M variant (also known as c.53538T>G), located in coding exon 153 of the TTN gene, results from a T to G substitution at nucleotide position 53538. The isoleucine at codon 17846 is replaced by methionine, an amino acid with highly similar properties. This amino acid position is not well conserved in available vertebrate species. In addition, this alteration is predicted to be tolerated by in silico analysis. Since supporting evidence is limited at this time, the clinical significance of this alteration remains unclear.